The following is an entry in ClinVar:

NM_000551.4(VHL):c.45G>A (p.Ala15=)

Gene: VHL (von Hippel-Lindau tumor suppressor; plus strand). Cytogenetic location: 3p25.3.
Variant type: single nucleotide variant.
Coding change: c.45G>A on transcript NM_000551.4 (MANE Select); coding-DNA position 45, G replaced by A.
Protein change: p.Ala15=; no amino-acid change (alanine 15 retained).
Molecular consequence: synonymous variant.
Genome position (GRCh38, 1-based): chr3:10,141,892, G>A. VCF-style: chr3-10141892-G-A. GRCh37 (hg19) VCF-style: chr3-10183576-G-A.
Other names: c.45G>A, p.Ala15= (NM_001354723.2, NM_198156.3).
Identifiers: ClinVar variation 526698 (VCV000526698.16), dbSNP rs563813895, ClinGen allele CA432536174.

ClinVar aggregate classification (germline): Benign/Likely benign. Review status: criteria provided, multiple submitters, no conflicts (2 of 4 stars). 4 submissions from 4 submitters: Benign (1); Likely benign (3). Last evaluated 2025-11-10.

Conditions:
Hereditary cancer-predisposing syndrome. Also called: Neoplastic Syndromes, Hereditary; Tumor predisposition; Hereditary neoplastic syndrome; Hereditary Cancer Syndrome. Identifiers: Orphanet 140162, MedGen C0027672, MeSH D009386, MONDO:0015356.
Chuvash polycythemia. Also called: POLYCYTHEMIA, VHL-DEPENDENT. Identifiers: Orphanet 238557, MedGen C1837915, MONDO:0009892, OMIM 263400.
Von Hippel-Lindau syndrome (VHLS). Also called: von Hippel–Lindau syndrome; VHL syndrome; Von Hippel-Lindau. Identifiers: Orphanet 892, MedGen C0019562, MONDO:0008667, OMIM 193300. Disease mechanism: loss of function.

Submissions (4):

Labcorp Genetics (formerly Invitae), Labcorp
Classification: Likely benign for Von Hippel-Lindau syndrome; Chuvash polycythemia. Last evaluated: 2025-11-10. Review status: criteria provided, single submitter. Criteria: Invitae Variant Classification Sherloc (09022015). Collection method: clinical testing. Allele origin: germline.

Myriad Genetics, Inc.
Classification: Benign for Von Hippel-Lindau syndrome. Last evaluated: 2025-06-10. Review status: criteria provided, single submitter. Criteria: Myriad Autosomal Dominant, Autosomal Recessive and X-Linked Classification Criteria (2023). Collection method: clinical testing. Allele origin: unknown.
Comment: This variant is considered benign. This variant is a silent/synonymous amino acid change and it is not expected to impact splicing.

All of Us Research Program, National Institutes of Health
Classification: Likely benign for Von Hippel-Lindau syndrome. Last evaluated: 2023-06-26. Review status: criteria provided, single submitter. Criteria: ACMG Guidelines, 2015. Collection method: clinical testing. Allele origin: germline. Inheritance: Autosomal dominant inheritance. Observed: 1 variant allele, 1 heterozygote.
Comment: This study involves interpretation of variants in research participants for the purpose of population health screening. Participant phenotype was not available at the time of variant classification. Additional details can be found in publication PMID: 35346344, PMCID: PMC8962531

Ambry Genetics
Classification: Likely benign for Hereditary cancer-predisposing syndrome. Last evaluated: 2022-03-06. Review status: criteria provided, single submitter. Criteria: Ambry Variant Classification Scheme 2023. Collection method: clinical testing. Allele origin: germline.